The following is an entry in ClinVar:

NM_138413.4(HOGA1):c.487A>T (p.Ile163Phe)

Gene: HOGA1 (4-hydroxy-2-oxoglutarate aldolase 1; plus strand). Cytogenetic location: 10q24.2.
Variant type: single nucleotide variant.
Coding change: c.487A>T on transcript NM_138413.4 (MANE Select); coding-DNA position 487, A replaced by T.
Protein change: p.Ile163Phe; replaces isoleucine 163 with phenylalanine.
Molecular consequence: missense variant. On other transcripts: intron variant (1).
Genome position (GRCh38, 1-based): chr10:97,599,698, A>T. VCF-style: chr10-97599698-A-T. GRCh37 (hg19) VCF-style: chr10-99359455-A-T.
Other names: c.212-2159A>T (NM_001134670.2); c.487A>T (NM_138413.3); short protein forms I163F.
Identifiers: ClinVar variation 1482513 (VCV001482513.9), dbSNP rs754994995, ClinGen allele CA377977869.
Genomic context (GRCh38, chr10:97,599,698, plus strand): 5'-GCGGCTGCCCTCTCCTGCTTTTCTCTGCGCCCCCCTCCCCAGGTTGCTGATCTCTCTCCA[A>T]TCCCTGTGGTGCTGTACAGTGTCCCAGCCAACACAGGGCTGGACCTGCCTGTGGATGCAG-3'
Protein context (NP_612422.2, residues 153-173): HYTKVADLSP[Ile163Phe]PVVLYSVPAN

ClinVar aggregate classification (germline): Uncertain significance. Review status: criteria provided, single submitter (1 of 4 stars). 2 submissions from 2 submitters: Uncertain significance (1). 1 of the submissions does not count toward it. Last evaluated 2021-04-14.

Conditions:
Primary hyperoxaluria type 3. Also called: PH III. Identifiers: Orphanet 416, Orphanet 93600, MedGen C3150878, MONDO:0013327, OMIM 613616. Disease mechanism: loss of function.

Submissions (2):

Labcorp Genetics (formerly Invitae), Labcorp
Classification: Uncertain significance. Last evaluated: 2021-04-14. Review status: criteria provided, single submitter. Criteria: Invitae Variant Classification Sherloc (09022015). Collection method: clinical testing. Allele origin: germline.
Comment: In summary, the available evidence is currently insufficient to determine the role of this variant in disease. Therefore, it has been classified as a Variant of Uncertain Significance. Advanced modeling of protein sequence and biophysical properties (such as structural, functional, and spatial information, amino acid conservation, physicochemical variation, residue mobility, and thermodynamic stability) performed at Invitae indicates that this missense variant is expected to disrupt HOGA1 protein function. This variant has not been reported in the literature in individuals with HOGA1-related conditions. This variant is not present in population databases (ExAC no frequency). This sequence change replaces isoleucine with phenylalanine at codon 163 of the HOGA1 protein (p.Ile163Phe). The isoleucine residue is moderately conserved and there is a small physicochemical difference between isoleucine and phenylalanine.

Natera, Inc.
Classification: Uncertain significance for Primary hyperoxaluria type III. Last evaluated: 2025-04-10. Review status: no assertion criteria provided. Collection method: clinical testing. Allele origin: germline. Not counted in ClinVar's aggregate classification.